The following is an entry in ClinVar:

ClinVar aggregate classification (germline): Uncertain significance (1 of 4 stars; one submission).

Conditions:
Inborn genetic diseases. Identifiers: MedGen C0950123, MeSH D030342.

Submission:

Ambry Genetics
Classification: Uncertain significance for Inborn genetic diseases. Last evaluated: 2021-06-15. Review status: criteria provided, single submitter. Criteria: Ambry Variant Classification Scheme 2023. Collection method: clinical testing. Allele origin: germline.
Comment: The p.S1044R variant (also known as c.3132T>A), located in coding exon 24 of the LRRK2 gene, results from a T to A substitution at nucleotide position 3132. The serine at codon 1044 is replaced by arginine, an amino acid with dissimilar properties. This amino acid position is conserved. In addition, the in silico prediction for this alteration is inconclusive. Since supporting evidence is limited at this time, the clinical significance of this alteration remains unclear.

NM_198578.4(LRRK2):c.3132T>A (p.Ser1044Arg)

Gene: LRRK2 (leucine rich repeat kinase 2; plus strand). Cytogenetic location: 12q12.
Variant type: single nucleotide variant.
Coding change: c.3132T>A on transcript NM_198578.4 (MANE Select); coding-DNA position 3132, T replaced by A.
Protein change: p.Ser1044Arg; replaces serine 1044 with arginine.
Molecular consequence: missense variant.
Genome position (GRCh38, 1-based): chr12:40,298,278, T>A. VCF-style: chr12-40298278-T-A. GRCh37 (hg19) VCF-style: chr12-40692080-T-A.
Other names: short protein forms S1044R.
Identifiers: ClinVar variation 1727986 (VCV001727986.2), dbSNP rs2499744934, ClinGen allele CA384414132.